The following is an entry in ClinVar:

ClinVar aggregate classification (germline): Likely benign. Review status: criteria provided, multiple submitters, no conflicts (2 of 4 stars). 2 submissions from 2 submitters: Likely benign (2). Last evaluated 2024-07-01.

Conditions:
Hereditary sensory neuropathy-deafness-dementia syndrome. Also called: NEUROPATHY, HEREDITARY SENSORY, WITH HEARING LOSS AND DEMENTIA; Hereditary Sensory and Autonomic Neuropathy Type 1E (HSAN1E); HSN IE; Hereditary sensory neuropathy type IE. Identifiers: Orphanet 456318, MedGen C3279885, MONDO:0013584, OMIM 614116.

Allele frequency attached by ClinVar (database versions not stated): gnomAD exomes below 0.00001; TOPMed below 0.00001.
gnomAD v4.1: 5 of 1,614,122 alleles (0.00031%); highest among the groups gnomAD compares: South Asian, 0.0011%; no homozygotes.

Submissions (2):

CeGaT Center for Human Genetics Tuebingen
Classification: Likely benign. Last evaluated: 2024-07-01. Review status: criteria provided, single submitter. Criteria: CeGaT Center For Human Genetics Tuebingen Variant Classification Criteria Version 2. Collection method: clinical testing. Allele origin: germline. Affected: yes. Observed: 1 variant allele.
Comment: DNMT1: BP4, BP7

Labcorp Genetics (formerly Invitae), Labcorp
Classification: Likely benign for Hereditary sensory neuropathy-deafness-dementia syndrome. Last evaluated: 2023-06-30. Review status: criteria provided, single submitter. Criteria: Invitae Variant Classification Sherloc (09022015). Collection method: clinical testing. Allele origin: germline.

NM_001130823.3(DNMT1):c.735G>A (p.Thr245=)

Gene: DNMT1 (DNA methyltransferase 1; minus strand). Cytogenetic location: 19p13.2.
Variant type: single nucleotide variant.
Coding change: c.735G>A on transcript NM_001130823.3 (MANE Select); coding-DNA position 735, G replaced by A.
Protein change: p.Thr245=; no amino-acid change (threonine 245 retained).
Molecular consequence: synonymous variant.
Genome position (GRCh38, 1-based): chr19:10,173,123, C>T on the plus strand (G>A on the coding strand, the complement: DNMT1 is on the minus strand). VCF-style: chr19-10173123-C-T. GRCh37 (hg19) VCF-style: chr19-10283799-C-T.
Other names: c.687G>A, p.Thr229= (NM_001318730.2, NM_001379.4); c.372G>A, p.Thr124= (NM_001318731.2).
Identifiers: ClinVar variation 2143734 (VCV002143734.21), dbSNP rs1281971051, ClinGen allele CA505355633.